The following is an entry in ClinVar:

NM_030582.4(COL18A1):c.3372_3389del (p.Pro1126_Gly1131del)

Genes: COL18A1 (collagen type XVIII alpha 1 chain; plus strand), SLC19A1 (solute carrier family 19 member 1; minus strand). Cytogenetic location: 21q22.3.
Variant type: Deletion.
Coding change: c.3372_3389del on transcript NM_030582.4; coding-DNA positions 3372 to 3389, 18 bases deleted (AGGCCCACGTGGCTACCC).
Protein change: p.Pro1126_Gly1131del.
Molecular consequence: inframe deletion.
Genome position (GRCh38, 1-based): chr21:45,504,529-45,504,546, AGGCCCACGTGGCTACCC deleted; deleting any 18 consecutive bases within chr21:45,504,526-45,504,546 gives the same sequence; the c. name uses the placement nearest the transcript's 3' end. VCF-style (leftmost placement, unchanged base first): chr21-45504525-CCCCAGGCCCACGTGGCTA-C. GRCh37 (hg19) VCF-style: chr21-46924439-CCCCAGGCCCACGTGGCTA-C.
Other names: c.4077_4094del, p.Pro1361_Gly1366del (NM_130444.3).
Identifiers: ClinVar variation 3353038 (VCV003353038.1).

ClinVar aggregate classification (germline): Benign (0 of 4 stars; one submission).

Conditions:
COL18A1-related disorder. Also called: COL18A1-related condition; COL18A1-related disorders.

Submission:

PreventionGenetics, part of Exact Sciences
Classification: Benign for COL18A1-related condition. Last evaluated: 2024-04-29. Review status: no assertion criteria provided. Collection method: clinical testing. Allele origin: germline.
Comment: This variant is classified as benign based on ACMG/AMP sequence variant interpretation guidelines (Richards et al. 2015 PMID: 25741868, with internal and published modifications).